The following is an entry in ClinVar:

Single allele

Genes: CIMAP1C (ciliary microtubule associated protein 1C; plus strand), COMMD4 (COMM domain containing 4; plus strand), CSPG4 (chondroitin sulfate proteoglycan 4; minus strand), IMP3 (IMP U3 small nucleolar ribonucleoprotein 3; minus strand), MAN2C1 (mannosidase alpha class 2C member 1; minus strand) and 5 more. Cytogenetic location: 15q24.2.
Variant type: Deletion.
Identifiers: ClinVar variation 997817 (VCV000997817.1).

ClinVar aggregate classification (germline): Pathogenic (0 of 4 stars; one submission).

Conditions:
Epilepsy. Also called: Seizure disorder. Identifiers: MedGen C0014544, MeSH D004827, MONDO:0005027.
Intellectual disability. Also called: Intellectual functioning disability; Intellectual developmental disorder; intellectual disabilities. Identifiers: MedGen C3714756, MeSH D008607, MONDO:0001071, HP:0001249.

Submission:

Institute of Human Genetics, University of Leipzig Medical Center
Classification: Pathogenic for Intellectual disability; Epilepsy. Last evaluated: 2021-02-25. Review status: no assertion criteria provided. Collection method: clinical testing. Allele origin: de novo. Inheritance: Autosomal dominant inheritance. Affected: yes. Observed: 1 variant allele, 1 heterozygote.
Comment: Inheritance was de novo (heterozygous). The variant was reviewed according to current ClinGen recommendations and classified as Pathogenic (criteria: 1A(0), 2A(1), 3A(0), 4C(0.15), 5A(0.15), Total score=1.3).